The following is an entry in ClinVar:

ClinVar aggregate classification (germline): Uncertain significance. Review status: criteria provided, multiple submitters, no conflicts (2 of 4 stars). 2 submissions from 2 submitters: Uncertain significance (2). Last evaluated 2023-12-08.

Conditions:
Alstrom syndrome (ALMS). Identifiers: Orphanet 64, MedGen C0268425, MONDO:0008763, OMIM 203800.

Allele frequency attached by ClinVar (database versions not stated): ExAC 0.00001.
gnomAD v4.1: 5 of 1,614,080 alleles (0.00031%); highest among the groups gnomAD compares: South Asian, 0.0055%; no homozygotes.

Submissions (2):

Blueprint Genetics
Classification: Uncertain significance. Last evaluated: 2023-12-08. Review status: criteria provided, single submitter. Criteria: ACMG Guidelines, 2015. Collection method: clinical testing. Allele origin: germline.

Labcorp Genetics (formerly Invitae), Labcorp
Classification: Uncertain significance for Alstrom syndrome. Last evaluated: 2022-05-05. Review status: criteria provided, single submitter. Criteria: Invitae Variant Classification Sherloc (09022015). Collection method: clinical testing. Allele origin: germline.
Comment: This sequence change replaces serine, which is neutral and polar, with alanine, which is neutral and non-polar, at codon 1710 of the ALMS1 protein (p.Ser1710Ala). In summary, the available evidence is currently insufficient to determine the role of this variant in disease. Therefore, it has been classified as a Variant of Uncertain Significance. Experimental studies and prediction algorithms are not available or were not evaluated, and the functional significance of this variant is currently unknown. This variant has not been reported in the literature in individuals affected with ALMS1-related conditions. This variant is present in population databases (rs749850118, gnomAD 0.003%).

NM_001378454.1(ALMS1):c.5125T>G (p.Ser1709Ala)

Gene: ALMS1 (ALMS1 centrosome and basal body associated protein; plus strand). Cytogenetic location: 2p13.1.
Variant type: single nucleotide variant.
Coding change: c.5125T>G on transcript NM_001378454.1 (MANE Select); coding-DNA position 5125, T replaced by G.
Protein change: p.Ser1709Ala; replaces serine 1709 with alanine.
Molecular consequence: missense variant.
Genome position (GRCh38, 1-based): chr2:73,451,652, T>G. VCF-style: chr2-73451652-T-G. GRCh37 (hg19) VCF-style: chr2-73678779-T-G.
Other names: c.5128T>G, p.Ser1710Ala (NM_015120.4); short protein forms S1709A, S1710A.
Identifiers: ClinVar variation 2083893 (VCV002083893.5), dbSNP rs749850118, ClinGen allele CA1713825.
Genomic context (GRCh38, chr2:73,451,652, plus strand): 5'-CTGAAAGTTCCACCTGTTCCTGGACCAGATGCCCAGAAGACTGAGACACCATCAGTATCC[T>G]CTAGTTTATACTCATATAGAGAGAAGCCCATTGTCTTCTACCAACAGGCCCTGCCAGACA-3'
Protein context (NP_001365383.1, residues 1699-1719): AQKTETPSVS[Ser1709Ala]SLYSYREKPI